The following is an entry in ClinVar:

NM_013275.6(ANKRD11):c.2329G>T (p.Glu777Ter)

Gene: ANKRD11 (ankyrin repeat domain containing 11; minus strand). Cytogenetic location: 16q24.3.
Variant type: single nucleotide variant.
Coding change: c.2329G>T on transcript NM_013275.6 (MANE Select); coding-DNA position 2329, G replaced by T.
Protein change: p.Glu777Ter; replaces glutamic acid 777 with a stop codon.
Molecular consequence: nonsense.
Genome position (GRCh38, 1-based): chr16:89,284,213, C>A on the plus strand (G>T on the coding strand, the complement: ANKRD11 is on the minus strand). VCF-style: chr16-89284213-C-A. GRCh37 (hg19) VCF-style: chr16-89350621-C-A.
Other names: c.2329G>T, p.Glu777Ter (NM_001256182.2, NM_001256183.2); short protein forms E777*.
Identifiers: ClinVar variation 280583 (VCV000280583.3), dbSNP rs886041760, ClinGen allele CA10603429.

ClinVar aggregate classification (germline): Pathogenic (1 of 4 stars; one submission).

Submission:

GeneDx
Classification: Pathogenic. Last evaluated: 2025-03-03. Review status: criteria provided, single submitter. Criteria: GeneDx Variant Classification Process June 2021. Collection method: clinical testing. Allele origin: germline. Affected: yes.
Comment: Nonsense variant predicted to result in protein truncation or nonsense mediated decay in a gene for which loss of function is a known mechanism of disease; Not observed at significant frequency in large population cohorts (gnomAD); This variant is associated with the following publications: (PMID: 35982159, 33057194)